The following is an entry in ClinVar:

NM_032444.4(SLX4):c.5215G>A (p.Glu1739Lys)

Gene: SLX4 (SLX4 structure-specific endonuclease subunit; minus strand). Cytogenetic location: 16p13.3.
Variant type: single nucleotide variant.
Coding change: c.5215G>A on transcript NM_032444.4 (MANE Select); coding-DNA position 5215, G replaced by A.
Protein change: p.Glu1739Lys; replaces glutamic acid 1739 with lysine.
Molecular consequence: missense variant.
Genome position (GRCh38, 1-based): chr16:3,582,632, C>T on the plus strand (G>A on the coding strand, the complement: SLX4 is on the minus strand). VCF-style: chr16-3582632-C-T. GRCh37 (hg19) VCF-style: chr16-3632633-C-T.
Other names: short protein forms E1739K.
Identifiers: ClinVar variation 1014765 (VCV001014765.8), dbSNP rs2040453082, ClinGen allele CA394513946.

ClinVar aggregate classification (germline): Uncertain significance (1 of 4 stars; one submission).

Conditions:
Fanconi anemia (FA). Also called: Fanconi's anemia. Identifiers: Orphanet 84, MedGen C0015625, MeSH D005199, MONDO:0019391.

Allele frequency attached by ClinVar (database versions not stated): gnomAD exomes 0.00001.

Submission:

Labcorp Genetics (formerly Invitae), Labcorp
Classification: Uncertain significance for Fanconi anemia. Last evaluated: 2020-07-20. Review status: criteria provided, single submitter. Criteria: Invitae Variant Classification Sherloc (09022015). Collection method: clinical testing. Allele origin: germline.
Comment: This variant has not been reported in the literature in individuals with SLX4-related conditions. This variant is not present in population databases (ExAC no frequency). This sequence change replaces glutamic acid with lysine at codon 1739 of the SLX4 protein (p.Glu1739Lys). The glutamic acid residue is weakly conserved and there is a small physicochemical difference between glutamic acid and lysine. Algorithms developed to predict the effect of missense changes on protein structure and function (SIFT, PolyPhen-2, Align-GVGD) all suggest that this variant is likely to be tolerated, but these predictions have not been confirmed by published functional studies and their clinical significance is uncertain. In summary, the available evidence is currently insufficient to determine the role of this variant in disease. Therefore, it has been classified as a Variant of Uncertain Significance.